The following is an entry in ClinVar:

ClinVar aggregate classification (germline): Likely pathogenic (1 of 4 stars; one submission).

Conditions:
Hereditary diffuse gastric adenocarcinoma (HDGC). Also called: DIFFUSE GASTRIC AND LOBULAR BREAST CANCER SYNDROME. Identifiers: Orphanet 26106, MedGen C1708349, MONDO:0007648, OMIM 137215.

Submission:

Myriad Genetics, Inc.
Classification: Likely pathogenic for Hereditary diffuse gastric adenocarcinoma. Last evaluated: 2023-06-12. Review status: criteria provided, single submitter. Criteria: Myriad Autosomal Dominant, Autosomal Recessive and X-Linked Classification Criteria (2023). Collection method: clinical testing. Allele origin: unknown.
Comment: This variant is considered likely pathogenic. This variant occurs within a consensus splice junction and is predicted to result in abnormal mRNA splicing of either an out-of-frame exon or an in-frame exon necessary for protein stability and/or normal function.

NM_004360.5(CDH1):c.833-2A>C

Gene: CDH1 (cadherin 1; plus strand). Cytogenetic location: 16q22.1.
Variant type: single nucleotide variant.
Coding change: c.833-2A>C on transcript NM_004360.5 (MANE Select); the canonical splice acceptor site of the intron before coding-DNA position 833, A replaced by C.
Molecular consequence: splice acceptor variant.
Genome position (GRCh38, 1-based): chr16:68,811,682, A>C. VCF-style: chr16-68811682-A-C. GRCh37 (hg19) VCF-style: chr16-68845585-A-C.
Other names: c.-783-2A>C (NM_001317185.2); c.-987-2A>C (NM_001317186.2); c.833-2A>C (NM_001317184.2).
Identifiers: ClinVar variation 2583263 (VCV002583263.2), dbSNP rs1555515596, ClinGen allele CA396459532.